The following is an entry in ClinVar:

NM_001003787.4(STRADA):c.320G>A (p.Cys107Tyr)

Gene: STRADA (STE20 related adaptor alpha; minus strand). Cytogenetic location: 17q23.3.
Variant type: single nucleotide variant.
Coding change: c.320G>A on transcript NM_001003787.4 (MANE Select); coding-DNA position 320, G replaced by A.
Protein change: p.Cys107Tyr; replaces cysteine 107 with tyrosine.
Molecular consequence: missense variant. On other transcripts: non-coding transcript variant (1).
Genome position (GRCh38, 1-based): chr17:63,713,434, C>T on the plus strand (G>A on the coding strand, the complement: STRADA is on the minus strand). VCF-style: chr17-63713434-C-T. GRCh37 (hg19) VCF-style: chr17-61790794-C-T.
Other names: c.209G>A, p.Cys70Tyr (NM_001003786.3, NM_001363789.1, NM_153335.6); c.146G>A, p.Cys49Tyr (NM_001003788.3, NM_001363790.1, NM_001363791.1); c.233G>A, p.Cys78Tyr (NM_001165969.2, NM_001363787.1); c.188G>A, p.Cys63Tyr (NM_001165970.2); c.296G>A, p.Cys99Tyr (NM_001363786.1); c.320G>A, p.Cys107Tyr (NM_001363788.1); short protein forms C107Y, C99Y, C70Y, C49Y, C63Y, C78Y.
Identifiers: ClinVar variation 1519515 (VCV001519515.6), dbSNP rs934215646, ClinGen allele CA400593573.
Genomic context (GRCh38, chr17:63,713,434, plus strand): 5'-TCCCTCCATGTGACACACTCATGGTTTATTACCTGCAAGAATGTTACCATCTCATTGGAA[C>T]AAGCTTCTAGGTTAATCCTCCGTACAGTCACGTACTCTCCTGTTGGTTTGTACCTTGCTA-3'
Protein context (NP_001003787.1, residues 97-117): VTVRRINLEA[Cys107Tyr]SNEMVTFLQG

ClinVar aggregate classification (germline): Uncertain significance (1 of 4 stars; one submission).

Conditions:
Polyhydramnios, megalencephaly, and symptomatic epilepsy (PMSE). Also called: PMSE SYNDROME. Identifiers: Orphanet 500533, MedGen C1970203, MONDO:0012611, OMIM 611087.

Submission:

Labcorp Genetics (formerly Invitae), Labcorp
Classification: Uncertain significance for Polyhydramnios, megalencephaly, and symptomatic epilepsy. Last evaluated: 2021-11-25. Review status: criteria provided, single submitter. Criteria: Invitae Variant Classification Sherloc (09022015). Collection method: clinical testing. Allele origin: germline.
Comment: This sequence change replaces cysteine, which is neutral and slightly polar, with tyrosine, which is neutral and polar, at codon 107 of the STRADA protein (p.Cys107Tyr). This variant is not present in population databases (gnomAD no frequency). This variant has not been reported in the literature in individuals affected with STRADA-related conditions. Algorithms developed to predict the effect of missense changes on protein structure and function are either unavailable or do not agree on the potential impact of this missense change (SIFT: "Tolerated"; PolyPhen-2: "Probably Damaging"; Align-GVGD: "Class C0"). In summary, the available evidence is currently insufficient to determine the role of this variant in disease. Therefore, it has been classified as a Variant of Uncertain Significance.